The following is an entry in ClinVar:

NM_000090.4(COL3A1):c.3378G>C (p.Gln1126His)

Gene: COL3A1 (collagen type III alpha 1 chain; plus strand). Cytogenetic location: 2q32.2.
Variant type: single nucleotide variant.
Coding change: c.3378G>C on transcript NM_000090.4 (MANE Select); coding-DNA position 3378, G replaced by C.
Protein change: p.Gln1126His; replaces glutamine 1126 with histidine.
Molecular consequence: missense variant.
Genome position (GRCh38, 1-based): chr2:189,007,899, G>C. VCF-style: chr2-189007899-G-C. GRCh37 (hg19) VCF-style: chr2-189872625-G-C.
Other names: p.Gln1126His; short protein forms Q1126H.
Identifiers: ClinVar variation 2682805 (VCV002682805.1), dbSNP rs2469162989, ClinGen allele CA349846066.

ClinVar aggregate classification (germline): Uncertain significance (1 of 4 stars; one submission).

Submission:

Mayo Clinic Laboratories, Mayo Clinic
Classification: Uncertain significance. Last evaluated: 2023-04-17. Review status: criteria provided, single submitter. Criteria: ACMG Guidelines, 2015. Collection method: clinical testing. Allele origin: germline. Observed: 1 variant allele.
Comment: BP4, PP2, PM2_supporting